The following is an entry in ClinVar:

NM_004813.4(PEX16):c.886G>A (p.Glu296Lys)

Gene: PEX16 (peroxisomal biogenesis factor 16; minus strand). Cytogenetic location: 11p11.2.
Variant type: single nucleotide variant.
Coding change: c.886G>A on transcript NM_004813.4 (MANE Select); coding-DNA position 886, G replaced by A.
Protein change: p.Glu296Lys; replaces glutamic acid 296 with lysine.
Molecular consequence: missense variant.
Genome position (GRCh38, 1-based): chr11:45,913,820, C>T on the plus strand (G>A on the coding strand, the complement: PEX16 is on the minus strand). VCF-style: chr11-45913820-C-T. GRCh37 (hg19) VCF-style: chr11-45935371-C-T.
Other names: c.886G>A, p.Glu296Lys (NM_057174.3); short protein forms E296K.
Identifiers: ClinVar variation 4983233 (VCV004983233.1).
Genomic context (GRCh38, chr11:45,913,820, plus strand): 5'-GGAGCACCAGTGCCCGCTTGCCAGCCCTCTCCCTGGCTCAGGGTGTCCTGGGTGCTTACT[C>T]GGAGAAGCGGTCATAGAAAGGAGAGCGCAGCAGGTAGTAGAGCAGCAGGATGGTCCGGCG-3'
Protein context (NP_004804.2, residues 286-306): LRSPFYDRFS[Glu296Lys]ARILFLLQLL

ClinVar aggregate classification (germline): Uncertain significance (1 of 4 stars; one submission).

Conditions:
PEX16-related disorder. Also called: PEX16-related condition.

gnomAD v4.1: 4 of 1,613,956 alleles (0.00025%); highest among the groups gnomAD compares: South Asian, 0.0011%; no homozygotes.

Submission:

PreventionGenetics, part of Exact Sciences
Classification: Uncertain significance for PEX16-related condition. Last evaluated: 2024-11-21. Review status: criteria provided, single submitter. Criteria: ACMG Guidelines, 2015. Collection method: clinical testing. Allele origin: germline.
Comment: The PEX16 c.886G>A variant is predicted to result in the amino acid substitution p.Glu296Lys. To our knowledge, this variant has not been reported in the literature. This variant is reported in 0.00089% of alleles in individuals of European (Non-Finnish) descent in gnomAD. At this time, the clinical significance of this variant is uncertain due to the absence of conclusive functional and genetic evidence.